The following is an entry in ClinVar:

ClinVar aggregate classification (germline): Uncertain significance (1 of 4 stars; one submission).

gnomAD v4.1: 1 of 1,602,350 alleles (0.000062%); highest among the groups gnomAD compares: East Asian, 0.0022%; no homozygotes.

Submission:

Labcorp Genetics (formerly Invitae), Labcorp
Classification: Uncertain significance. Last evaluated: 2022-05-28. Review status: criteria provided, single submitter. Criteria: Invitae Variant Classification Sherloc (09022015). Collection method: clinical testing. Allele origin: germline.
Comment: This sequence change replaces glutamic acid, which is acidic and polar, with lysine, which is basic and polar, at codon 3790 of the ADGRV1 protein (p.Glu3790Lys). This variant is not present in population databases (gnomAD no frequency). This variant has not been reported in the literature in individuals affected with ADGRV1-related conditions. Algorithms developed to predict the effect of missense changes on protein structure and function are either unavailable or do not agree on the potential impact of this missense change (SIFT: "Deleterious"; PolyPhen-2: "Possibly Damaging"; Align-GVGD: "Class C0"). In summary, the available evidence is currently insufficient to determine the role of this variant in disease. Therefore, it has been classified as a Variant of Uncertain Significance.

NM_032119.4(ADGRV1):c.11368G>A (p.Glu3790Lys)

Gene: ADGRV1 (adhesion G protein-coupled receptor V1; plus strand). Cytogenetic location: 5q14.3.
Variant type: single nucleotide variant.
Coding change: c.11368G>A on transcript NM_032119.4 (MANE Select); coding-DNA position 11368, G replaced by A.
Protein change: p.Glu3790Lys; replaces glutamic acid 3790 with lysine.
Molecular consequence: missense variant. On other transcripts: non-coding transcript variant (1).
Genome position (GRCh38, 1-based): chr5:90,753,820, G>A. VCF-style: chr5-90753820-G-A. GRCh37 (hg19) VCF-style: chr5-90049637-G-A.
Other names: short protein forms E3790K.
Identifiers: ClinVar variation 1999849 (VCV001999849.4), dbSNP rs2531620254, ClinGen allele CA360365519.
Genomic context (GRCh38, chr5:90,753,820, plus strand): 5'-AATGACTCACCTTTTGGCTTGGTGGGCTGGCGTGCTGCGTCTGTCTTCATTAGAGTAGCA[G>A]AGCCTAAAGGTAAATATTGTTAAATATCTTTCAAGTTTTAATGAGAAGCTTCATTGGATA-3'
Protein context (NP_115495.3, residues 3780-3800): RAASVFIRVA[Glu3790Lys]PKENTTTLQL